The following is an entry in ClinVar:

ClinVar aggregate classification (germline): Benign. Review status: criteria provided, multiple submitters, no conflicts (2 of 4 stars). 2 submissions from 2 submitters: Benign (2). Last evaluated 2017-04-27.

Conditions:
Intellectual developmental disorder, X-linked 93. Also called: MENTAL RETARDATION, X-LINKED, WITH MACROCEPHALY; Intellectual disability, X-linked 93. Identifiers: MedGen C1970841, MONDO:0010393, OMIM 300659.

Allele frequency attached by ClinVar (database versions not stated): 1000 Genomes Project 0.03629; gnomAD 0.05148 and 0.05012; 1000 Genomes Project 30x 0.04204; TOPMed 0.04720.

Submissions (2):

Illumina Laboratory Services, Illumina
Classification: Benign for Intellectual developmental disorder, X-linked 93. Last evaluated: 2017-04-27. Review status: criteria provided, single submitter. Criteria: ICSL Variant Classification Criteria 13 December 2019. Collection method: clinical testing. Allele origin: germline.
Comment: This variant was observed as part of a predisposition screen in an ostensibly healthy population. A literature search was performed for the gene, cDNA change, and amino acid change (where applicable). No publications were found based on this search. Allele frequency data from public databases was too high to be consistent with this variant causing disease. Therefore, this variant is classified as benign.

Breakthrough Genomics
Classification: Benign. Review status: criteria provided, single submitter. Criteria: ACMG Guidelines, 2015. Collection method: not provided. Allele origin: germline. Inheritance: X-linked inheritance. Affected: yes.

NM_153252.5(BRWD3):c.*4223C>T

Gene: BRWD3 (bromodomain and WD repeat domain containing 3; minus strand). Cytogenetic location: Xq21.1.
Variant type: single nucleotide variant.
Coding change: c.*4223C>T on transcript NM_153252.5 (MANE Select); 4223 bases downstream of the stop codon, C replaced by T.
Molecular consequence: 3 prime UTR variant.
Genome position (GRCh38, 1-based): chrX:80,672,386, G>A on the plus strand (C>T on the coding strand, the complement: BRWD3 is on the minus strand). VCF-style: chrX-80672386-G-A. GRCh37 (hg19) VCF-style: chrX-79927885-G-A.
Identifiers: ClinVar variation 368698 (VCV000368698.6), dbSNP rs184070793, ClinGen allele CA10654391.
Genomic context (GRCh38, chrX:80,672,386, plus strand): 5'-AGGCCGGGCACGGTGGCTCATGCCTGTAATCCCAGCACTTTGGGAGGCCGAGGTGAGGAA[G>A]GAAGGAAGGAGGGAAGGAAGAGAGGGAGGGAGGGAGGGGGGAGGGAGGAATGAAGGAATG-3'